The following is an entry in ClinVar:

NM_144999.4(LRRC45):c.1483C>T (p.Arg495Cys)

Gene: LRRC45 (leucine rich repeat containing 45; plus strand). Cytogenetic location: 17q25.3.
Variant type: single nucleotide variant.
Coding change: c.1483C>T on transcript NM_144999.4 (MANE Select); coding-DNA position 1483, C replaced by T.
Protein change: p.Arg495Cys; replaces arginine 495 with cysteine.
Molecular consequence: missense variant.
Genome position (GRCh38, 1-based): chr17:82,029,624, C>T. VCF-style: chr17-82029624-C-T. GRCh37 (hg19) VCF-style: chr17-79987500-C-T.
Other names: short protein forms R495C.
Identifiers: ClinVar variation 4986668 (VCV004986668.1).
Genomic context (GRCh38, chr17:82,029,624, plus strand): 5'-GCGGCACTCAGCGAGCGTGGCCAGGCTGAGGAGGAGCTGATCAAGGCCAAGAGCCAGGCC[C>T]GCCTGGAGGAGGTGAGCCACACATGTCCGCCACCCTCCGGGGGAGCCAGGCTGCCCGGCA-3'
Protein context (NP_659436.1, residues 485-505): EELIKAKSQA[Arg495Cys]LEEQQRLAHL

ClinVar aggregate classification (germline): Uncertain significance (1 of 4 stars; one submission).

Conditions:
LRRC45-related disorder. Also called: LRRC45-related condition.

gnomAD v4.1: 24 of 1,571,182 alleles (0.0015%); highest among the groups gnomAD compares: Non-Finnish European, 0.0018%; no homozygotes.

Submission:

PreventionGenetics, part of Exact Sciences
Classification: Uncertain significance for LRRC45-related condition. Last evaluated: 2025-04-26. Review status: criteria provided, single submitter. Criteria: ACMG Guidelines, 2015. Collection method: clinical testing. Allele origin: germline.
Comment: The LRRC45 c.1483C>T variant is predicted to result in the amino acid substitution p.Arg495Cys. To our knowledge, this variant has not been reported in the literature. This variant is reported in 0.0041% of alleles in individuals of South Asian descent in gnomAD. At this time, the clinical significance of this variant is uncertain due to the absence of conclusive functional and genetic evidence.